The following is an entry in ClinVar:

NM_018122.5(DARS2):c.312G>T (p.Lys104Asn)

Gene: DARS2 (aspartyl-tRNA synthetase 2, mitochondrial; plus strand). Cytogenetic location: 1q25.1.
Variant type: single nucleotide variant.
Coding change: c.312G>T on transcript NM_018122.5 (MANE Select); coding-DNA position 312, G replaced by T.
Protein change: p.Lys104Asn; replaces lysine 104 with asparagine.
Molecular consequence: missense variant.
Genome position (GRCh38, 1-based): chr1:173,830,677, G>T. VCF-style: chr1-173830677-G-T. GRCh37 (hg19) VCF-style: chr1-173799815-G-T.
Other names: c.312G>T, p.Lys104Asn (NM_001365212.1, NM_001365213.2); short protein forms K104N.
Identifiers: ClinVar variation 1718048 (VCV001718048.5), dbSNP rs2525846509, ClinGen allele CA343758265.

ClinVar aggregate classification (germline): Uncertain significance (1 of 4 stars; one submission).

Allele frequency attached by ClinVar (database versions not stated): gnomAD exomes below 0.00001.
gnomAD v4.1: 1 of 1,613,956 alleles (0.000062%); highest among the groups gnomAD compares: Admixed American, 0.0017%; no homozygotes.

Submission:

Labcorp Genetics (formerly Invitae), Labcorp
Classification: Uncertain significance. Last evaluated: 2022-07-17. Review status: criteria provided, single submitter. Criteria: Invitae Variant Classification Sherloc (09022015). Collection method: clinical testing. Allele origin: germline.
Comment: This sequence change replaces lysine, which is basic and polar, with asparagine, which is neutral and polar, at codon 104 of the DARS2 protein (p.Lys104Asn). This variant is not present in population databases (gnomAD no frequency). This variant has not been reported in the literature in individuals affected with DARS2-related conditions. Advanced modeling of protein sequence and biophysical properties (such as structural, functional, and spatial information, amino acid conservation, physicochemical variation, residue mobility, and thermodynamic stability) performed at Invitae indicates that this missense variant is not expected to disrupt DARS2 protein function. Algorithms developed to predict the effect of sequence changes on RNA splicing suggest that this variant may disrupt the consensus splice site. In summary, the available evidence is currently insufficient to determine the role of this variant in disease. Therefore, it has been classified as a Variant of Uncertain Significance.